The following is an entry in ClinVar:

ClinVar aggregate classification (germline): Benign. Review status: criteria provided, multiple submitters, no conflicts (2 of 4 stars). 2 submissions from 2 submitters: Benign (2). Last evaluated 2020-02-17.

Allele frequency attached by ClinVar (database versions not stated): gnomAD 0.08289 and 0.08481; TOPMed 0.08666; 1000 Genomes Project 30x 0.09463; 1000 Genomes Project 0.09704; gnomAD exomes 0.09932.

Submissions (2):

GeneDx
Classification: Benign. Last evaluated: 2020-02-17. Review status: criteria provided, single submitter. Criteria: GeneDx Variant Classification Process June 2021. Collection method: clinical testing. Allele origin: germline. Affected: yes.
Comment: This variant is associated with the following publications: (PMID: 29292192)

Breakthrough Genomics
Classification: Benign. Review status: criteria provided, single submitter. Criteria: ACMG Guidelines, 2015. Collection method: not provided. Allele origin: germline. Inheritance: Unknown mechanism. Affected: yes.

NC_000010.11:g.61901581T>C

Gene: ARID5B (AT-rich interaction domain 5B; plus strand). Cytogenetic location: 10q21.2.
Variant type: single nucleotide variant.
Genome position: GRCh38 VCF-style: chr10-61901581-T-C. GRCh37 (hg19) VCF-style: chr10-63661340-T-C.
Identifiers: ClinVar variation 1268779 (VCV001268779.3), dbSNP rs4509706, ClinGen allele CA208536931.
Genomic context (GRCh38, chr10:61,901,581, plus strand): 5'-CGTTATAGAAATATTAGGACATATTTTCAATCATTTCGGTGCCCGAAGGGAGGCAAGAGC[T>C]CAGTTTTATATTGAGACATTACGCCGGCTGAAGGCAGAGAATGCGTTTCCCTGCCAGGAC-3'